The following is an entry in ClinVar:

ClinVar aggregate classification (germline): Likely benign (3 of 4 stars; one submission).

Conditions:
Open-angle glaucoma. Identifiers: MedGen C0017612, MONDO:0005338, HP:0012108.

Allele frequency attached by ClinVar (database versions not stated): TOPMed 0.00001; ExAC 0.00019; gnomAD 0.00003.

Submission:

ClinGen Glaucoma Variant Curation Expert Panel
Classification: Likely benign for Open-angle glaucoma. Last evaluated: 2026-01-12. Review status: reviewed by expert panel. Criteria: ClinGen Glaucoma ACMG Specifications V2.0.0 Approved. Collection method: curation. Allele origin: germline. Inheritance: Autosomal dominant inheritance.
Comment: The c.98G>A variant in MYOC is a missense variant predicted to cause substitution of Arginine by Lysine at amino acid 33 (p.Arg33Lys). The highest minor allele frequency of this variant was in the South Asian genetic ancestry group of gnomAD (v4.1.0) = 0.001076, which met the ≥ 0.001 threshold set for BS1 (98 alleles out of 91,082), meeting the threshold of ≥ 5 of at least 2,000 observed alleles). The REVEL score = 0.055, which was within the 0.017-0.183 range for BP4_Moderate, suggesting that the variant does not impact MYOC function. There was no functional evidence predicting a damaging or benign impact of this variant on MYOC function. Although a proband with primary open angle glaucoma had been reported carrying this variant, PM2_Supporting was not met, therefore PS4 did not apply. In summary, this variant met the criteria to receive a score of -6 and to be classified as likely benign (likely benign classification range -2 to -6, adapted from PMID: 32720330) for primary open angle glaucoma based on the ACMG/AMP criteria met, as specified by the ClinGen Glaucoma VCEP (v2.0.0, 5 Dec 2024): BS1, BP4_Moderate.

NM_000261.2(MYOC):c.98G>A (p.Arg33Lys)

Gene: MYOC (myocilin; minus strand). Cytogenetic location: 1q24.3.
Variant type: single nucleotide variant.
Coding change: c.98G>A on transcript NM_000261.2 (MANE Select); coding-DNA position 98, G replaced by A.
Protein change: p.Arg33Lys; replaces arginine 33 with lysine.
Molecular consequence: missense variant.
Genome position (GRCh38, 1-based): chr1:171,652,514, C>T on the plus strand (G>A on the coding strand, the complement: MYOC is on the minus strand). VCF-style: chr1-171652514-C-T. GRCh37 (hg19) VCF-style: chr1-171621654-C-T.
Other names: NM_000261.2:c.98G>A; short protein forms R33K.
Identifiers: ClinVar variation 1703222 (VCV001703222.1), dbSNP rs565284878, ClinGen allele CA1244330.